The following is an entry in ClinVar:

ClinVar aggregate classification (germline): Uncertain significance. Review status: criteria provided, multiple submitters, no conflicts (2 of 4 stars). 2 submissions from 2 submitters: Uncertain significance (2). Last evaluated 2023-05-14.

Allele frequency attached by ClinVar (database versions not stated): gnomAD exomes below 0.00001; TOPMed 0.00002.

Submissions (2):

Ambry Genetics
Classification: Uncertain significance. Last evaluated: 2023-05-14. Review status: criteria provided, single submitter. Criteria: Ambry Variant Classification Scheme 2023. Collection method: clinical testing. Allele origin: germline.
Comment: The p.Y208H variant (also known as c.622T>C), located in coding exon 5 of the RECQL gene, results from a T to C substitution at nucleotide position 622. The tyrosine at codon 208 is replaced by histidine, an amino acid with similar properties. This amino acid position is conserved. In addition, this alteration is predicted to be tolerated by in silico analysis. Since supporting evidence is limited at this time, the clinical significance of this alteration remains unclear.

Labcorp Genetics (formerly Invitae), Labcorp
Classification: Uncertain significance. Last evaluated: 2020-02-19. Review status: criteria provided, single submitter. Criteria: Invitae Variant Classification Sherloc (09022015). Collection method: clinical testing. Allele origin: germline.
Comment: This sequence change replaces tyrosine with histidine at codon 208 of the RECQL protein (p.Tyr208His). The tyrosine residue is highly conserved and there is a moderate physicochemical difference between tyrosine and histidine. This variant is not present in population databases (ExAC no frequency). In summary, the available evidence is currently insufficient to determine the role of this variant in disease. Therefore, it has been classified as a Variant of Uncertain Significance. This variant has not been reported in the literature in individuals with RECQL-related conditions. Algorithms developed to predict the effect of missense changes on protein structure and function (SIFT, PolyPhen-2, Align-GVGD) all suggest that this variant is likely to be disruptive, but these predictions have not been confirmed by published functional studies and their clinical significance is uncertain.

NM_002907.4(RECQL):c.622T>C (p.Tyr208His)

Gene: RECQL (RecQ like helicase; minus strand). Cytogenetic location: 12p12.1.
Variant type: single nucleotide variant.
Coding change: c.622T>C on transcript NM_002907.4 (MANE Select); coding-DNA position 622, T replaced by C.
Protein change: p.Tyr208His; replaces tyrosine 208 with histidine.
Molecular consequence: missense variant.
Genome position (GRCh38, 1-based): chr12:21,483,454, A>G on the plus strand (T>C on the coding strand, the complement: RECQL is on the minus strand). VCF-style: chr12-21483454-A-G. GRCh37 (hg19) VCF-style: chr12-21636388-A-G.
Other names: c.622T>C, p.Tyr208His (NM_032941.3); c.622T>C (NM_002907.3); short protein forms Y208H.
Identifiers: ClinVar variation 1041471 (VCV001041471.12), dbSNP rs1339330997, ClinGen allele CA384127097.